The following is an entry in ClinVar:

NM_001852.4(COL9A2):c.149A>T (p.Asp50Val)

Gene: COL9A2 (collagen type IX alpha 2 chain; minus strand). Cytogenetic location: 1p34.2.
Variant type: single nucleotide variant.
Coding change: c.149A>T on transcript NM_001852.4 (MANE Select); coding-DNA position 149, A replaced by T.
Protein change: p.Asp50Val; replaces aspartic acid 50 with valine.
Molecular consequence: missense variant.
Genome position (GRCh38, 1-based): chr1:40,315,591, T>A on the plus strand (A>T on the coding strand, the complement: COL9A2 is on the minus strand). VCF-style: chr1-40315591-T-A. GRCh37 (hg19) VCF-style: chr1-40781263-T-A.
Other names: short protein forms D50V.
Identifiers: ClinVar variation 1410195 (VCV001410195.8), dbSNP rs2124107039, ClinGen allele CA339859512.

ClinVar aggregate classification (germline): Uncertain significance (1 of 4 stars; one submission).

Submission:

Labcorp Genetics (formerly Invitae), Labcorp
Classification: Uncertain significance. Last evaluated: 2021-06-27. Review status: criteria provided, single submitter. Criteria: Invitae Variant Classification Sherloc (09022015). Collection method: clinical testing. Allele origin: germline.
Comment: This variant has not been reported in the literature in individuals with COL9A2-related conditions. This variant is not present in population databases (ExAC no frequency). This sequence change replaces aspartic acid with valine at codon 50 of the COL9A2 protein (p.Asp50Val). The aspartic acid residue is moderately conserved and there is a large physicochemical difference between aspartic acid and valine. Algorithms developed to predict the effect of missense changes on protein structure and function are either unavailable or do not agree on the potential impact of this missense change (SIFT: "Tolerated"; PolyPhen-2: "Not Available"; Align-GVGD: "Class C0"). In summary, the available evidence is currently insufficient to determine the role of this variant in disease. Therefore, it has been classified as a Variant of Uncertain Significance.